The following is an entry in ClinVar:

NM_001429.4(EP300):c.2645C>G (p.Pro882Arg)

Gene: EP300 (EP300 lysine acetyltransferase; plus strand). Cytogenetic location: 22q13.2.
Variant type: single nucleotide variant.
Coding change: c.2645C>G on transcript NM_001429.4 (MANE Select); coding-DNA position 2645, C replaced by G.
Protein change: p.Pro882Arg; replaces proline 882 with arginine.
Molecular consequence: missense variant.
Genome position (GRCh38, 1-based): chr22:41,150,026, C>G. VCF-style: chr22-41150026-C-G. GRCh37 (hg19) VCF-style: chr22-41546030-C-G.
Other names: c.2567C>G, p.Pro856Arg (NM_001362843.2); c.2645C>G (NM_001429.3); short protein forms P856R, P882R.
Identifiers: ClinVar variation 1691054 (VCV001691054.12), dbSNP rs772707021, ClinGen allele CA10252914.

ClinVar aggregate classification (germline): Benign/Likely benign. Review status: criteria provided, multiple submitters, no conflicts (2 of 4 stars). 5 submissions from 5 submitters: Benign (1); Likely benign (4). Last evaluated 2025-07-30.

Conditions:
Inborn genetic diseases. Identifiers: MedGen C0950123, MeSH D030342.
Rubinstein-Taybi syndrome due to EP300 haploinsufficiency. Also called: RUBINSTEIN-TAYBI SYNDROME 2; EP300-Related Rubinstein-Taybi Syndrome. Identifiers: Orphanet 353284, Orphanet 783, MedGen C3150941, MONDO:0013364, OMIM 613684.
EP300-related disorder. Also called: EP300-related disorders; EP300-related condition.

Allele frequency attached by ClinVar (database versions not stated): gnomAD exomes 0.00007 and 0.00012; gnomAD 0.00011 and 0.00012; TOPMed 0.00017; ExAC 0.00018.
gnomAD v4.1: 127 of 1,613,912 alleles (0.0079%); highest among the groups gnomAD compares: Middle Eastern, 0.049%; no homozygotes.

Submissions (5):

Labcorp Genetics (formerly Invitae), Labcorp
Classification: Likely benign for Rubinstein-Taybi syndrome due to EP300 haploinsufficiency. Last evaluated: 2025-07-30. Review status: criteria provided, single submitter. Criteria: Invitae Variant Classification Sherloc (09022015). Collection method: clinical testing. Allele origin: germline.

PreventionGenetics, part of Exact Sciences
Classification: Likely benign for EP300-related condition. Last evaluated: 2025-06-11. Review status: criteria provided, single submitter. Criteria: ACMG Guidelines, 2015. Collection method: clinical testing. Allele origin: germline.
Comment: This variant is classified as likely benign based on ACMG/AMP sequence variant interpretation guidelines (Richards et al. 2015 PMID: 25741868, with internal and published modifications).

Ambry Genetics
Classification: Likely benign for Inborn genetic diseases. Last evaluated: 2025-06-03. Review status: criteria provided, single submitter. Criteria: Ambry Variant Classification Scheme 2023. Collection method: clinical testing. Allele origin: germline.

Blueprint Genetics
Classification: Likely benign. Last evaluated: 2024-11-06. Review status: criteria provided, single submitter. Criteria: ACMG Guidelines, 2015. Collection method: clinical testing. Allele origin: germline.

Laboratorio de Genetica e Diagnostico Molecular, Hospital Israelita Albert Einstein
Classification: Benign. Last evaluated: 2022-01-04. Review status: criteria provided, single submitter. Criteria: ACMG Guidelines, 2015. Collection method: clinical testing. Allele origin: germline. Affected: yes.
Comment: ACMG classification criteria: BS1, BS2, BP4